The following is an entry in ClinVar:

ClinVar aggregate classification (germline): Uncertain significance. Review status: criteria provided, multiple submitters, no conflicts (2 of 4 stars). 2 submissions from 2 submitters: Uncertain significance (2). Last evaluated 2025-10-02.

Conditions:
Primary ciliary dyskinesia. Also called: Ciliary dyskinesia. Identifiers: Orphanet 244, MedGen C0008780, MONDO:0016575, HP:0012265.

Allele frequency attached by ClinVar (database versions not stated): gnomAD 0.00001; gnomAD exomes 0.00002; TOPMed 0.00002; ExAC 0.00003.
gnomAD v4.1: 7 of 1,613,760 alleles (0.00043%); highest among the groups gnomAD compares: Admixed American, 0.012%; no homozygotes.

Submissions (2):

Ambry Genetics
Classification: Uncertain significance for Primary ciliary dyskinesia. Last evaluated: 2025-10-02. Review status: criteria provided, single submitter. Criteria: Ambry Variant Classification Scheme 2023. Collection method: clinical testing. Allele origin: germline.

Labcorp Genetics (formerly Invitae), Labcorp
Classification: Uncertain significance for Primary ciliary dyskinesia. Last evaluated: 2022-08-06. Review status: criteria provided, single submitter. Criteria: Invitae Variant Classification Sherloc (09022015). Collection method: clinical testing. Allele origin: germline.
Comment: This sequence change replaces leucine, which is neutral and non-polar, with valine, which is neutral and non-polar, at codon 426 of the DNAAF5 protein (p.Leu426Val). This variant is present in population databases (rs747227150, gnomAD 0.02%). This variant has not been reported in the literature in individuals affected with DNAAF5-related conditions. ClinVar contains an entry for this variant (Variation ID: 1421826). Algorithms developed to predict the effect of missense changes on protein structure and function are either unavailable or do not agree on the potential impact of this missense change (SIFT: "Deleterious"; PolyPhen-2: "Possibly Damaging"; Align-GVGD: "Class C0"). In summary, the available evidence is currently insufficient to determine the role of this variant in disease. Therefore, it has been classified as a Variant of Uncertain Significance.

NM_017802.4(DNAAF5):c.1276C>G (p.Leu426Val)

Gene: DNAAF5 (dynein axonemal assembly factor 5; plus strand). Cytogenetic location: 7p22.3.
Variant type: single nucleotide variant.
Coding change: c.1276C>G on transcript NM_017802.4 (MANE Select); coding-DNA position 1276, C replaced by G.
Protein change: p.Leu426Val; replaces leucine 426 with valine.
Molecular consequence: missense variant. On other transcripts: non-coding transcript variant (1).
Genome position (GRCh38, 1-based): chr7:756,800, C>G. VCF-style: chr7-756800-C-G. GRCh37 (hg19) VCF-style: chr7-796437-C-G.
Other names: c.1276C>G (NM_017802.3); short protein forms L426V.
Identifiers: ClinVar variation 1421826 (VCV001421826.5), dbSNP rs747227150, ClinGen allele CA4110679.